The following is an entry in ClinVar:

ClinVar aggregate classification (germline): Uncertain significance (1 of 4 stars; one submission).

Conditions:
Ectodermal dysplasia and immunodeficiency 2. Identifiers: Orphanet 238468, Orphanet 98813, MedGen C2677481, MONDO:0012806, OMIM 612132.

Allele frequency attached by ClinVar (database versions not stated): TOPMed below 0.00001.

Submission:

Labcorp Genetics (formerly Invitae), Labcorp
Classification: Uncertain significance for Ectodermal dysplasia and immunodeficiency 2. Last evaluated: 2022-01-16. Review status: criteria provided, single submitter. Criteria: Invitae Variant Classification Sherloc (09022015). Collection method: clinical testing. Allele origin: germline.
Comment: This sequence change replaces threonine, which is neutral and polar, with isoleucine, which is neutral and non-polar, at codon 179 of the NFKBIA protein (p.Thr179Ile). This variant is present in population databases (no rsID available, gnomAD 0.0009%). This variant has not been reported in the literature in individuals affected with NFKBIA-related conditions. Algorithms developed to predict the effect of missense changes on protein structure and function (SIFT, PolyPhen-2, Align-GVGD) all suggest that this variant is likely to be tolerated. In summary, the available evidence is currently insufficient to determine the role of this variant in disease. Therefore, it has been classified as a Variant of Uncertain Significance.

NM_020529.3(NFKBIA):c.536C>T (p.Thr179Ile)

Gene: NFKBIA (NFKB inhibitor alpha; minus strand). Cytogenetic location: 14q13.2.
Variant type: single nucleotide variant.
Coding change: c.536C>T on transcript NM_020529.3 (MANE Select); coding-DNA position 536, C replaced by T.
Protein change: p.Thr179Ile; replaces threonine 179 with isoleucine.
Molecular consequence: missense variant.
Genome position (GRCh38, 1-based): chr14:35,403,161, G>A on the plus strand (C>T on the coding strand, the complement: NFKBIA is on the minus strand). VCF-style: chr14-35403161-G-A. GRCh37 (hg19) VCF-style: chr14-35872367-G-A.
Other names: short protein forms T179I.
Identifiers: ClinVar variation 2086448 (VCV002086448.4), dbSNP rs1233242667, ClinGen allele CA389452827.